The following is an entry in ClinVar:

NC_000023.10:g.(?_32519852)_(33229429_?)dup

Gene: DMD (dystrophin; minus strand). Cytogenetic location: Xp21.1.
Variant type: Duplication.
Identifiers: ClinVar variation 3242744 (VCV003242744.1).

ClinVar aggregate classification (germline): Uncertain significance (1 of 4 stars; one submission).

Conditions:
Duchenne muscular dystrophy (DMD). Also called: MUSCULAR DYSTROPHY, PSEUDOHYPERTROPHIC PROGRESSIVE, DUCHENNE TYPE; Duchenne Muscular Dystrophy (DMD). Identifiers: Orphanet 98896, MedGen C0013264, MONDO:0010679, OMIM 310200.

Submission:

Labcorp Genetics (formerly Invitae), Labcorp
Classification: Uncertain significance for Duchenne muscular dystrophy. Last evaluated: 2023-03-03. Review status: criteria provided, single submitter. Criteria: Invitae Variant Classification Sherloc (09022015). Collection method: clinical testing. Allele origin: unknown.
Comment: This variant results in a copy number gain of the genomic region encompassing exon(s) 1-19 of the DMD gene. This region includes the initiator codon of the gene. This copy number gain extends beyond the assayed region for this gene and therefore may encompass additional genes. As the precise location of this event is unknown, it may be in tandem or it may be located elsewhere in the genome. This variant has not been reported in the literature in individuals affected with DMD-related conditions. In summary, the available evidence is currently insufficient to determine the role of this variant in disease. Therefore, it has been classified as a Variant of Uncertain Significance.